The following is an entry in ClinVar:

ClinVar aggregate classification (germline): Uncertain significance. Review status: criteria provided, multiple submitters, no conflicts (2 of 4 stars). 2 submissions from 2 submitters: Uncertain significance (2). Last evaluated 2025-10-01.

Conditions:
Cardiovascular phenotype. Identifiers: MedGen CN230736.
Familial hypobetalipoproteinemia 1. Also called: Hypobetalipoproteinemia, normotriglyceridemic; Acanthocytosis with hypobetalipoproteinemia; APOB-Related Familial Hypobetalipoproteinemia. Identifiers: MedGen C4551990, MONDO:0014252, OMIM 615558.
Hypercholesterolemia, autosomal dominant, type B (FHCL2). Also called: Familial Hypercholesterolemia Type B; HYPERCHOLESTEROLEMIA, FAMILIAL, DUE TO LIGAND-DEFECTIVE APOLIPOPROTEIN B; Familial hypercholesterolemia 2; APOB-Related Familial Hypercholesterolemia, Autosomal Dominant; APOLIPOPROTEIN B-100, FAMILIAL DEFECTIVE; APOLIPOPROTEIN B-100, FAMILIAL LIGAND-DEFECTIVE. Identifiers: MedGen C1704417, MONDO:0007751, OMIM 144010.

Allele frequency attached by ClinVar (database versions not stated): gnomAD 0.00002; TOPMed 0.00003; ESP Exome Variant Server 0.00015.

Submissions (2):

Ambry Genetics
Classification: Uncertain significance for Cardiovascular phenotype. Last evaluated: 2025-10-01. Review status: criteria provided, single submitter. Criteria: Ambry Variant Classification Scheme 2023. Collection method: clinical testing. Allele origin: germline.
Comment: The p.D180Y variant (also known as c.538G>T) is located in coding exon 6 of the APOB gene. The aspartic acid at codon 180 is replaced by tyrosine, an amino acid with highly dissimilar properties. This change occurs in the first base pair of coding exon 6. This amino acid position is conserved. In addition, the in silico prediction for this alteration is inconclusive. Since supporting evidence is limited at this time, the clinical significance of this alteration remains unclear.

Labcorp Genetics (formerly Invitae), Labcorp
Classification: Uncertain significance for Familial hypobetalipoproteinemia 1; Hypercholesterolemia, autosomal dominant, type B. Last evaluated: 2021-08-19. Review status: criteria provided, single submitter. Criteria: Invitae Variant Classification Sherloc (09022015). Collection method: clinical testing. Allele origin: germline.
Comment: This sequence change replaces aspartic acid with tyrosine at codon 180 of the APOB protein (p.Asp180Tyr). The aspartic acid residue is moderately conserved and there is a large physicochemical difference between aspartic acid and tyrosine. This variant is not present in population databases (ExAC no frequency). This variant has not been reported in the literature in individuals affected with APOB-related conditions. ClinVar contains an entry for this variant (Variation ID: 919630). Algorithms developed to predict the effect of missense changes on protein structure and function are either unavailable or do not agree on the potential impact of this missense change (SIFT: "Deleterious"; PolyPhen-2: "Probably Damaging"; Align-GVGD: "Class C0"). Algorithms developed to predict the effect of sequence changes on RNA splicing suggest that this variant may disrupt the consensus splice site. In summary, the available evidence is currently insufficient to determine the role of this variant in disease. Therefore, it has been classified as a Variant of Uncertain Significance.

NM_000384.3(APOB):c.538G>T (p.Asp180Tyr)

Gene: APOB (apolipoprotein B; minus strand). Cytogenetic location: 2p24.1.
Variant type: single nucleotide variant.
Coding change: c.538G>T on transcript NM_000384.3 (MANE Select); coding-DNA position 538, G replaced by T.
Protein change: p.Asp180Tyr; replaces aspartic acid 180 with tyrosine.
Molecular consequence: missense variant.
Genome position (GRCh38, 1-based): chr2:21,037,255, C>A on the plus strand (G>T on the coding strand, the complement: APOB is on the minus strand). VCF-style: chr2-21037255-C-A. GRCh37 (hg19) VCF-style: chr2-21260127-C-A.
Other names: short protein forms D180Y.
Identifiers: ClinVar variation 919630 (VCV000919630.10), dbSNP rs143959032, ClinGen allele CA43464978.
Genomic context (GRCh38, chr2:21,037,255, plus strand): 5'-CCACATTGCCCTTCCTCGTCTTGACGGTAAAGTGAGTGGAGCAGTTTCCATACACGGTAT[C>A]CTATGGAGGAAGAAGATGCAACCACATGTATTCAACACGGGCAACATCCTTGGGTACTTG-3'
Protein context (NP_000375.3, residues 170-190): TEEAKQVLFL[Asp180Tyr]TVYGNCSTHF